The following is an entry in ClinVar:

NM_177550.5(SLC13A5):c.877A>G (p.Lys293Glu)

Gene: SLC13A5 (solute carrier family 13 member 5; minus strand). Cytogenetic location: 17p13.1.
Variant type: single nucleotide variant.
Coding change: c.877A>G on transcript NM_177550.5 (MANE Select); coding-DNA position 877, A replaced by G.
Protein change: p.Lys293Glu; replaces lysine 293 with glutamic acid.
Molecular consequence: missense variant.
Genome position (GRCh38, 1-based): chr17:6,695,904, T>C on the plus strand (A>G on the coding strand, the complement: SLC13A5 is on the minus strand). VCF-style: chr17-6695904-T-C. GRCh37 (hg19) VCF-style: chr17-6599223-T-C.
Other names: c.877A>G, p.Lys293Glu (NM_001143838.3); c.826A>G, p.Lys276Glu (NM_001284509.2); c.748A>G, p.Lys250Glu (NM_001284510.2); short protein forms K293E, K250E, K276E.
Identifiers: ClinVar variation 541966 (VCV000541966.12), dbSNP rs759034052, ClinGen allele CA8331577.
Genomic context (GRCh38, chr17:6,695,904, plus strand): 5'-ACAAGGGCCCCAGCTTCCGGTACTCCTCCTGCAGCACCTTGAGGGCAGCCTTCTCGTTTT[T>C]CTTGCTCTCTAGCCCGCAGCCCCAGGACTTTTTAAAACTGGAGAATGCAAAGATGAGAGA-3'
Protein context (NP_808218.1, residues 283-303): KSWGCGLESK[Lys293Glu]NEKAALKVLQ

ClinVar aggregate classification (germline): Uncertain significance. Review status: criteria provided, multiple submitters, no conflicts (2 of 4 stars). 3 submissions from 3 submitters: Uncertain significance (3). Last evaluated 2023-08-17.

Conditions:
Developmental and epileptic encephalopathy, 25 (DEE25). Also called: Developmental and epileptic encephalopathy 25, with amelogenesis imperfecta; Epileptic encephalopathy, early infantile, 25, with amelogenesis imperfecta; Epileptic encephalopathy, early infantile, 25. Identifiers: Orphanet 442835, MedGen C4014621, MONDO:0014392, OMIM 615905.

Allele frequency attached by ClinVar (database versions not stated): gnomAD 0.00003; TOPMed 0.00003; ExAC 0.00005.
gnomAD v4.1: 19 of 1,613,988 alleles (0.0012%); highest among the groups gnomAD compares: Admixed American, 0.03%; no homozygotes.

Submissions (3):

Labcorp Genetics (formerly Invitae), Labcorp
Classification: Uncertain significance for Developmental and epileptic encephalopathy, 25. Last evaluated: 2023-08-17. Review status: criteria provided, single submitter. Criteria: Invitae Variant Classification Sherloc (09022015). Collection method: clinical testing. Allele origin: germline.
Comment: This sequence change replaces lysine, which is basic and polar, with glutamic acid, which is acidic and polar, at codon 293 of the SLC13A5 protein (p.Lys293Glu). The frequency data for this variant in the population databases is considered unreliable, as metrics indicate poor data quality at this position in the gnomAD database. This variant has not been reported in the literature in individuals affected with SLC13A5-related conditions. ClinVar contains an entry for this variant (Variation ID: 541966). An algorithm developed to predict the effect of missense changes on protein structure and function (PolyPhen-2) suggests that this variant¬†is likely to be tolerated. In summary, the available evidence is currently insufficient to determine the role of this variant in disease. Therefore, it has been classified as a Variant of Uncertain Significance.

Genome-Nilou Lab
Classification: Uncertain significance for Developmental and epileptic encephalopathy, 25. Last evaluated: 2021-07-15. Review status: criteria provided, single submitter. Criteria: ACMG Guidelines, 2015. Collection method: clinical testing. Allele origin: germline. Affected: no.

GeneDx
Classification: Uncertain significance. Last evaluated: 2021-04-08. Review status: criteria provided, single submitter. Criteria: GeneDx Variant Classification Process June 2021. Collection method: clinical testing. Allele origin: germline. Affected: yes.
Comment: In silico analysis supports that this missense variant does not alter protein structure/function; Has not been previously published as pathogenic or benign to our knowledge